The following is an entry in ClinVar:

NM_000053.4(ATP7B):c.2759T>G (p.Phe920Cys)

Gene: ATP7B (ATPase copper transporting beta; minus strand). Cytogenetic location: 13q14.3.
Variant type: single nucleotide variant.
Coding change: c.2759T>G on transcript NM_000053.4 (MANE Select); coding-DNA position 2759, T replaced by G.
Protein change: p.Phe920Cys; replaces phenylalanine 920 with cysteine.
Molecular consequence: missense variant. On other transcripts: intron variant (3).
Genome position (GRCh38, 1-based): chr13:51,949,768, A>C on the plus strand (T>G on the coding strand, the complement: ATP7B is on the minus strand). VCF-style: chr13-51949768-A-C. GRCh37 (hg19) VCF-style: chr13-52523904-A-C.
Other names: c.2426T>G, p.Phe809Cys (NM_001243182.2); c.2525T>G, p.Phe842Cys (NM_001330578.2, NM_001406527.1, NM_001406528.1 and 2 more transcripts); c.2507T>G, p.Phe836Cys (NM_001330579.2, NM_001406531.1, NM_001406532.1 and 1 more transcripts); c.2759T>G, p.Phe920Cys (NM_001406511.1, NM_001406512.1, NM_001406513.1 and 5 more transcripts); c.2726T>G, p.Phe909Cys (NM_001406514.1); c.2663T>G, p.Phe888Cys (NM_001406517.1, NM_001406518.1); c.2615T>G, p.Phe872Cys (NM_001406520.1, NM_001406521.1, NM_001406522.1 and 1 more transcripts); c.2582T>G, p.Phe861Cys (NM_001406524.1); and 10 more; short protein forms F490C, F704C, F726C, F758C, F777C, F804C, F809C, F810C.
Identifiers: ClinVar variation 2627403 (VCV002627403.3), dbSNP rs754990925, ClinGen allele CA6988913.

ClinVar aggregate classification (germline): Uncertain significance. Review status: criteria provided, multiple submitters, no conflicts (2 of 4 stars). 3 submissions from 3 submitters: Uncertain significance (3). Last evaluated 2025-11-04.

Conditions:
ATP7B-related disorder. Also called: ATP7B-related condition.
Wilson disease (WND). Also called: Wilson's disease. Identifiers: Orphanet 905, MedGen C0019202, MONDO:0010200, OMIM 277900. Disease mechanism: loss of function.

Allele frequency attached by ClinVar (database versions not stated): ExAC 0.00001.

Submissions (3):

PreventionGenetics, part of Exact Sciences
Classification: Uncertain significance for ATP7B-related condition. Last evaluated: 2025-11-04. Review status: criteria provided, single submitter. Criteria: ACMG Guidelines, 2015. Collection method: clinical testing. Allele origin: germline.
Comment: The ATP7B c.2759T>G variant is predicted to result in the amino acid substitution p.Phe920Cys. This variant was reported in the homozygous state in an affected individual from a cohort of patients with genetic or clinical features consistent with Wilson disease (Coffey et al. 2013. PubMed ID: 23518715). This variant is reported in 0.0033% of alleles in individuals of South Asian descent in gnomAD. At this time, the clinical significance of this variant is uncertain due to the absence of conclusive functional and genetic evidence.

Women's Health and Genetics/Laboratory Corporation of America, LabCorp
Classification: Uncertain significance. Last evaluated: 2025-03-03. Review status: criteria provided, single submitter. Criteria: LabCorp Variant Classification Summary - May 2015. Collection method: clinical testing. Allele origin: germline.
Comment: Variant summary: ATP7B c.2759T>G (p.Phe920Cys) results in a non-conservative amino acid change in the encoded protein sequence. Five of five in-silico tools predict a damaging effect of the variant on protein function. The variant allele was found at a frequency of 4e-06 in 248946 control chromosomes. c.2759T>G has been reported in the literature in at least one homozygous individual affected with Wilson Disease (e.g. Coffey_2013). These data indicate that the variant may be associated with disease. To our knowledge, no experimental evidence demonstrating an impact on protein function has been reported. The following publication has been ascertained in the context of this evaluation (PMID: 23518715). ClinVar contains an entry for this variant (Variation ID: 2627403). Based on the evidence outlined above, the variant was classified as VUS-possibly pathogenic.

Neuberg Centre For Genomic Medicine, NCGM
Classification: Uncertain significance for Wilson disease. Review status: criteria provided, single submitter. Criteria: ACMG Guidelines, 2015. Collection method: clinical testing. Allele origin: germline. Inheritance: Autosomal recessive inheritance. Affected: yes.
Comment: The missense variant p.F920C in ATP7B (NM_000053.4) has not been reported previously as a pathogenic variant nor as a benign variant, to our knowledge. The p.F920C variant is observed in 1/30,568 (0.0033%) alleles from individuals of South Asian background in gnomAD Exomes and is novel (not in any individuals) in 1000 Genomes. 2 variants within 6 amino acid positions of the variant p.F920C have been shown to be pathogenic, while none have been shown to be benign. The p.F920C missense variant is predicted to be damaging by both SIFT and PolyPhen2. The phenylalanine residue at codon 920 of ATP7B is conserved in all mammalian species. The nucleotide c.2759 in ATP7B is predicted conserved by GERP++ and PhyloP across 100 vertebrates. For these reasons, this variant has been classified as Uncertain Significance. In the absence of a second reportable variant / CNV, the diagnosis is not molecularly confirmed.

Literature cited by the submitters: PubMed 23518715 (cited by Women's Health and Genetics/Laboratory Corporation of America, LabCorp).